The following is an entry in ClinVar:

NM_004006.3(DMD):c.1447C>T (p.Leu483Phe)

Gene: DMD (dystrophin; minus strand). Cytogenetic location: Xp21.1.
Variant type: single nucleotide variant.
Coding change: c.1447C>T on transcript NM_004006.3 (MANE Select); coding-DNA position 1447, C replaced by T.
Protein change: p.Leu483Phe; replaces leucine 483 with phenylalanine.
Molecular consequence: missense variant.
Genome position (GRCh38, 1-based): chrX:32,614,338, G>A on the plus strand (C>T on the coding strand, the complement: DMD is on the minus strand). VCF-style: chrX-32614338-G-A. GRCh37 (hg19) VCF-style: chrX-32632455-G-A.
Other names: c.1423C>T, p.Leu475Phe (NM_000109.4); c.1435C>T, p.Leu479Phe (NM_004009.3); c.1078C>T, p.Leu360Phe (NM_004010.3); short protein forms L360F, L479F, L475F, L483F.
Identifiers: ClinVar variation 1772818 (VCV001772818.5), dbSNP rs755014001, ClinGen allele CA10379858.

ClinVar aggregate classification (germline): Conflicting classifications of pathogenicity. Review status: criteria provided, conflicting classifications (1 of 4 stars). 2 submissions from 2 submitters: Uncertain significance (1); Likely benign (1). Last evaluated 2025-08-03.

Conditions:
Duchenne muscular dystrophy (DMD). Also called: MUSCULAR DYSTROPHY, PSEUDOHYPERTROPHIC PROGRESSIVE, DUCHENNE TYPE; Duchenne Muscular Dystrophy (DMD). Identifiers: Orphanet 98896, MedGen C0013264, MONDO:0010679, OMIM 310200.
Cardiovascular phenotype. Identifiers: MedGen CN230736.

Allele frequency attached by ClinVar (database versions not stated): ExAC 0.00001.
gnomAD v4.1: 3 of 1,208,328 alleles (0.00025%); highest among the groups gnomAD compares: Admixed American, 0.0022%; no homozygotes.

Submissions (2):

Labcorp Genetics (formerly Invitae), Labcorp
Classification: Likely benign for Duchenne muscular dystrophy. Last evaluated: 2025-08-03. Review status: criteria provided, single submitter. Criteria: Invitae Variant Classification Sherloc (09022015). Collection method: clinical testing. Allele origin: germline.

Ambry Genetics
Classification: Uncertain significance for Cardiovascular phenotype. Last evaluated: 2021-10-01. Review status: criteria provided, single submitter. Criteria: Ambry Variant Classification Scheme 2023. Collection method: clinical testing. Allele origin: germline.
Comment: The p.L483F variant (also known as c.1447C>T), located in coding exon 12 of the DMD gene, results from a C to T substitution at nucleotide position 1447. The leucine at codon 483 is replaced by phenylalanine, an amino acid with highly similar properties. Based on data from gnomAD, the T allele has an overall frequency of <0.001% (1/182552) total alleles studied, with 0 hemizygote(s) observed. The highest observed frequency was 0.003% (1/27275) of Latino/Admixed American alleles. This amino acid position is well conserved in available vertebrate species. In addition, this alteration is predicted to be tolerated by in silico analysis. Since supporting evidence is limited at this time, the clinical significance of this alteration remains unclear.